The following is an entry in ClinVar:

ClinVar aggregate classification (germline): Uncertain significance (1 of 4 stars; one submission).

Allele frequency attached by ClinVar (database versions not stated): gnomAD exomes below 0.00001.

Submission:

Labcorp Genetics (formerly Invitae), Labcorp
Classification: Uncertain significance. Last evaluated: 2022-03-10. Review status: criteria provided, single submitter. Criteria: Invitae Variant Classification Sherloc (09022015). Collection method: clinical testing. Allele origin: germline.
Comment: In summary, the available evidence is currently insufficient to determine the role of this variant in disease. Therefore, it has been classified as a Variant of Uncertain Significance. Algorithms developed to predict the effect of missense changes on protein structure and function (SIFT, PolyPhen-2, Align-GVGD) all suggest that this variant is likely to be tolerated. ClinVar contains an entry for this variant (Variation ID: 851558). This variant has not been reported in the literature in individuals affected with RGS9-related conditions. This variant is present in population databases (no rsID available, gnomAD 0.0009%). This sequence change replaces aspartic acid, which is acidic and polar, with asparagine, which is neutral and polar, at codon 374 of the RGS9 protein (p.Asp374Asn).

NM_003835.4(RGS9):c.1120G>A (p.Asp374Asn)

Gene: RGS9 (regulator of G protein signaling 9; plus strand). Cytogenetic location: 17q24.1.
Variant type: single nucleotide variant.
Coding change: c.1120G>A on transcript NM_003835.4 (MANE Select); coding-DNA position 1120, G replaced by A.
Protein change: p.Asp374Asn; replaces aspartic acid 374 with asparagine.
Molecular consequence: missense variant.
Genome position (GRCh38, 1-based): chr17:65,204,218, G>A. VCF-style: chr17-65204218-G-A. GRCh37 (hg19) VCF-style: chr17-63200336-G-A.
Other names: c.1111G>A, p.Asp371Asn (NM_001081955.3, NM_001165933.2); short protein forms D371N, D374N.
Identifiers: ClinVar variation 851558 (VCV000851558.11), dbSNP rs1341364669, ClinGen allele CA400670120.
Genomic context (GRCh38, chr17:65,204,218, plus strand): 5'-CCCAGGCTGTTCCTGGCCCCGGGGGCGAGGCGCTGGATCAACATAGATGGCAAAACCATG[G>A]ACATCACAGTGAAGGGGCTGAAGCACCCCCACCGCTATGTGCTGGACGCCGCACAAACCC-3'
Protein context (NP_003826.2, residues 364-384): RWINIDGKTM[Asp374Asn]ITVKGLKHPH